The following is an entry in ClinVar:

NM_022552.5(DNMT3A):c.1250C>T (p.Ser417Phe)

Gene: DNMT3A (DNA methyltransferase 3 alpha; minus strand). Cytogenetic location: 2p23.3.
Variant type: single nucleotide variant.
Coding change: c.1250C>T on transcript NM_022552.5 (MANE Select); coding-DNA position 1250, C replaced by T.
Protein change: p.Ser417Phe; replaces serine 417 with phenylalanine.
Molecular consequence: missense variant. On other transcripts: non-coding transcript variant (1).
Genome position (GRCh38, 1-based): chr2:25,246,649, G>A on the plus strand (C>T on the coding strand, the complement: DNMT3A is on the minus strand). VCF-style: chr2-25246649-G-A. GRCh37 (hg19) VCF-style: chr2-25469518-G-A.
Other names: c.794C>T, p.Ser265Phe (NM_001320893.1); c.581C>T, p.Ser194Phe (NM_001375819.1); c.683C>T, p.Ser228Phe (NM_153759.3); c.1250C>T, p.Ser417Phe (NM_175629.2); short protein forms S194F, S417F, S228F, S265F.
Identifiers: ClinVar variation 4013939 (VCV004013939.1).
Genomic context (GRCh38, chr2:25,246,649, plus strand): 5'-GGGTCCCAGAAAGCTGGGTGCCCTCATTTACCTTCTGGTGGCTCCAGGCCCTTAGGGCCA[G>A]AAGGCTGGAAGCCCCCCAGGGCCCATTCAATCATGGGCTTGTTCTGCACCTCCACGGCCT-3'
Protein context (NP_072046.2, residues 407-427): IEWALGGFQP[Ser417Phe]GPKGLEPPEE

ClinVar aggregate classification (germline): Uncertain significance (1 of 4 stars; one submission).

Conditions:
Inborn genetic diseases. Identifiers: MedGen C0950123, MeSH D030342.

Submission:

Ambry Genetics
Classification: Uncertain significance for Inborn genetic diseases. Last evaluated: 2025-05-27. Review status: criteria provided, single submitter. Criteria: Ambry Variant Classification Scheme 2023. Collection method: clinical testing. Allele origin: germline.
Comment: The p.S417F variant (also known as c.1250C>T), located in coding exon 9 of the DNMT3A gene, results from a C to T substitution at nucleotide position 1250. The serine at codon 417 is replaced by phenylalanine, an amino acid with highly dissimilar properties. This amino acid position is conserved. In addition, the in silico prediction for this alteration is inconclusive. Based on the available evidence, the clinical significance of this variant remains unclear.